The following continues an entry in ClinVar:

NM_000051.4(ATM):c.1444A>C (p.Lys482Gln)

Gene: ATM. ClinVar aggregate classification (germline): Conflicting classifications of pathogenicity. Uncertain significance (16); Benign (1); Likely benign (6).

Submissions 15 to 25 of 25:

St. Jude Molecular Pathology, St. Jude Children's Research Hospital
Classification: Uncertain significance for Familial cancer of breast. Last evaluated: 2023-03-31. Review status: criteria provided, single submitter. Criteria: St. Jude Assertion Criteria 2020. Collection method: clinical testing. Allele origin: germline.
Comment: The ATM c.1444A>C (p.Lys482Gln) missense has a maximum subpopulation frequency of 0.017% in gnomAD v2.1.1. The in silico tool REVEL predicts a benign effect of this variant on protein function, and to our knowledge functional studies have not been performed. This variant was identified in an individual with breast and/or ovarian cancer undergoing multi-gene panel testing (PMID: 28528518). This variant is absent in a database of women older than 70 years of age who have never had cancer (FLOSSIES database). To our knowledge, this variant has not been reported in individuals with ataxia telangiectasia. In summary, the evidence currently available is insufficient to determine the clinical significance of this variant. It has therefore been classified as of uncertain significance.

Sema4
Classification: Uncertain significance for Hereditary cancer-predisposing syndrome. Last evaluated: 2021-11-05. Review status: criteria provided, single submitter. Criteria: Sema4 Curation Guidelines. Collection method: curation. Allele origin: germline.
Comment: The ATM c.1444A>C (p.K482Q) variant has been reported in individuals with breast, ovarian, and/or colorectal cancer (PMID: 28135145, 28528518, 33471991, 28779002, 34371384, 34399810). This variant has also been reported in healthy controls (PMID: 33471991, 28779002). It was observed in 22/129098 chromosomes of the Non-Finnish European subpopulation, with no homozygotes, in the large and broad cohorts of the Genome Aggregation Database (PMID: 32461654). The variant has been reported in ClinVar (Variation ID: 127338). Functional studies have not been performed, and in silico predictions of the variant's effect on protein function are inconclusive. The evidence is insufficient to meet ACMG/AMP criteria for classifying the variant as benign or pathogenic. Thus, the clinical significance of this variant is currently uncertain.

Institute for Clinical Genetics, University Hospital TU Dresden, University Hospital TU Dresden
Classification: Uncertain significance. Last evaluated: 2021-11-03. Review status: criteria provided, single submitter. Criteria: ACMG Guidelines, 2015. Collection method: clinical testing. Allele origin: germline.

Baylor Genetics
Classification: Uncertain significance for Ataxia-telangiectasia syndrome. Last evaluated: 2020-11-18. Review status: criteria provided, single submitter. Criteria: ACMG Guidelines, 2015. Collection method: clinical testing. Allele origin: paternal. Affected: yes. Study: CSER-TexasKidsCanSeq.
Comment: This variant was determined to be of uncertain significance according to ACMG Guidelines, 2015 [PMID:25741868].

Color Diagnostics, LLC DBA Color Health
Classification: Likely benign for Hereditary cancer-predisposing syndrome. Last evaluated: 2020-10-14. Review status: criteria provided, single submitter. Criteria: ACMG Guidelines, 2015. Collection method: clinical testing. Allele origin: germline.

Ambry Genetics
Classification: Likely benign for Hereditary cancer-predisposing syndrome. Last evaluated: 2020-09-02. Review status: criteria provided, single submitter. Criteria: Ambry Variant Classification Scheme 2023. Collection method: clinical testing. Allele origin: germline.

GeneKor MSA
Classification: Uncertain significance for Hereditary cancer-predisposing syndrome. Last evaluated: 2018-08-01. Review status: criteria provided, single submitter. Criteria: ACMG Guidelines, 2015. Collection method: clinical testing. Allele origin: germline. Affected: no.

Mendelics
Classification: Uncertain significance for Ataxia-telangiectasia syndrome. Last evaluated: 2018-07-02. Review status: criteria provided, single submitter. Criteria: Mendelics Assertion Criteria 2017. Collection method: clinical testing. Allele origin: unknown.

Athena Diagnostics
Classification: Uncertain significance. Last evaluated: 2018-04-05. Review status: criteria provided, single submitter. Criteria: Athena Diagnostics Criteria. Collection method: clinical testing. Allele origin: germline.

Counsyl
Classification: Uncertain significance for Ataxia-telangiectasia syndrome. Last evaluated: 2018-06-01. Review status: no assertion criteria provided. Collection method: clinical testing. Allele origin: unknown. Not counted in ClinVar's aggregate classification.

Department of Pathology and Laboratory Medicine, Sinai Health System
Classification: Uncertain significance. Review status: no assertion criteria provided. Collection method: clinical testing. Allele origin: unknown. Affected: yes. Study: The Canadian Open Genetics Repository (COGR). Not counted in ClinVar's aggregate classification.
Comment: The ATM p.Lys482Gln variant was identified in 1 of 170 proband chromosomes (frequency: 0.006) from individuals or families with hereditary breast and ovarian cancer (Cock-Rada_2017). The p.Lys482Gln variant was also found in one study to be a recurrent variant in Mullerian adenosarcoma occurring in 3 of 36 chromosomes (frequency: 0.083) Howitt_2015). The variant was also identified in the following databases: dbSNP (ID: rs202173660) as â€šÃ„ÃºWith Uncertain significance alleleâ€šÃ„Ã¹, ClinVar (as uncertain significance by GeneDx, Ambry Genetics, Invitae, and Color Genomics), Clinvitae (3x), and Cosmic (1x in endometrial cancer). The variant was not identified in MutDB, LOVD 3.0, or ATM-LOVD. The variant was identified in control databases in 25 of 246152 chromosomes at a frequency of 0.000102 (Genome Aggregation Database Feb 27, 2017). It was observed in the following populations: African in 1 of 15302 chromosomes (freq: 0.000065), Other in 1 of 5482 chromosomes (freq: 0.000182), Latino in 1 of 33566 chromosomes (freq: 0.00003), European (Non-Finnish) in 22 of 111630 chromosomes (freq: 0.000197); it was not observed in the Ashkenazi Jewish, East Asian, European (Finnish), and South Asian populations. The p.Lys482 residue is not conserved in mammals and computational analyses (PolyPhen-2, SIFT, AlignGVGD, BLOSUM, MutationTaster) provide inconsistent predictions regarding the impact to the protein; this information is not very predictive of pathogenicity. The variant occurs outside of the splicing consensus sequence and in silico or computational prediction software programs (SpliceSiteFinder, MaxEntScan, NNSPLICE, GeneSplicer, HumanSpliceFinder) do not predict a difference in splicing. In summary, based on the above information the clinical significance of this variant cannot be determined with certainty at this time. This variant is classified as a variant of uncertain significance.

Literature cited by the submitters: PubMed 25231023 (cited by 3 submitters); PubMed 28135145 (cited by 3 submitters); PubMed 28528518 (cited by 4 submitters); PubMed 28873162 (cited by Women's Health and Genetics/Laboratory Corporation of America, LabCorp); PubMed 31159747 (cited by Women's Health and Genetics/Laboratory Corporation of America, LabCorp and Ambry Genetics); PubMed 31658756 (cited by Women's Health and Genetics/Laboratory Corporation of America, LabCorp); PubMed 36035419 (cited by Women's Health and Genetics/Laboratory Corporation of America, LabCorp); PubMed 25085752 (cited by Myriad Genetics, Inc.); PubMed 33471991 (cited by Sema4); PubMed 28779002 (cited by Sema4); PubMed 34371384 (cited by Sema4); PubMed 34399810 (cited by Sema4); PubMed 28652578 (cited by Counsyl).